The following is an entry in ClinVar:

NM_000313.4(PROS1):c.1528G>A (p.Val510Met)

Gene: PROS1 (protein S; minus strand). Cytogenetic location: 3q11.1.
Variant type: single nucleotide variant.
Coding change: c.1528G>A on transcript NM_000313.4 (MANE Select); coding-DNA position 1528, G replaced by A.
Protein change: p.Val510Met; replaces valine 510 with methionine.
Molecular consequence: missense variant.
Genome position (GRCh38, 1-based): chr3:93,879,279, C>T on the plus strand (G>A on the coding strand, the complement: PROS1 is on the minus strand). VCF-style: chr3-93879279-C-T. GRCh37 (hg19) VCF-style: chr3-93598123-C-T.
Other names: c.1624G>A, p.Val542Met (NM_001314077.2); short protein forms V510M, V542M.
Identifiers: ClinVar variation 161343 (VCV000161343.23), dbSNP rs138925964, ClinGen allele CA211735.

ClinVar aggregate classification (germline): Conflicting classifications of pathogenicity. Review status: criteria provided, conflicting classifications (1 of 4 stars). 11 submissions from 10 submitters: Uncertain significance (3); Benign (3); Likely benign (1). 4 of the submissions do not count toward it. Last evaluated 2026-01-10.

Conditions:
PROS1-related disorder. Also called: PROS1-related condition.
Thrombophilia due to protein S deficiency, autosomal recessive (THPH6). Identifiers: Orphanet 743, MedGen C3281092, MONDO:0013791, OMIM 614514. Disease mechanism: loss of function.
Thrombophilia due to protein S deficiency, autosomal dominant (THPH5). Identifiers: Orphanet 26349, Orphanet 743, MedGen C3278211, MONDO:0012868, OMIM 612336. Disease mechanism: loss of function.
Protein S deficiency disease. Also called: Protein S deficiency. Identifiers: MedGen C0242666, MeSH D018455, MONDO:0002304.

Allele frequency attached by ClinVar (database versions not stated): 1000 Genomes Project 30x 0.00141; 1000 Genomes Project 0.00160; ESP Exome Variant Server 0.00392; TOPMed 0.00413; gnomAD 0.00331.

Submissions (11):

Labcorp Genetics (formerly Invitae), Labcorp
Classification: Benign for Thrombophilia due to protein S deficiency, autosomal recessive. Last evaluated: 2026-01-10. Review status: criteria provided, single submitter. Criteria: Invitae Variant Classification Sherloc (09022015). Collection method: clinical testing. Allele origin: germline.

Mayo Clinic Laboratories, Mayo Clinic
Classification: Uncertain significance. Last evaluated: 2024-11-21. Review status: criteria provided, single submitter. Criteria: ACMG Guidelines, 2015. Collection method: clinical testing. Allele origin: germline. Observed: 5 variant alleles.
Comment: BS1, BS2, PM1_supporting, PS3, PS4_moderate

Greenwood Genetic Center Diagnostic Laboratories, Greenwood Genetic Center
Classification: Uncertain significance. Last evaluated: 2022-12-13. Review status: criteria provided, single submitter. Criteria: ACMG Guidelines, 2015. Collection method: clinical testing. Allele origin: germline. Affected: yes.
Comment: PS4, BS2

Fulgent Genetics
Classification: Likely benign for Thrombophilia due to protein S deficiency, autosomal dominant; Thrombophilia due to protein S deficiency, autosomal recessive. Last evaluated: 2021-07-30. Review status: criteria provided, single submitter. Criteria: ACMG Guidelines, 2015. Collection method: clinical testing. Allele origin: unknown.

Mendelics
Classification: Benign for Thrombophilia due to protein S deficiency, autosomal dominant. Last evaluated: 2019-05-28. Review status: criteria provided, single submitter. Criteria: Mendelics Assertion Criteria 2017. Collection method: clinical testing. Allele origin: unknown.

Breakthrough Genomics
Classification: Benign. Review status: criteria provided, single submitter. Criteria: ACMG Guidelines, 2015. Collection method: not provided. Allele origin: germline. Inheritance: Autosomal recessive inheritance. Affected: yes.

ISTH-SSC Genomics in Thrombosis and Hemostasis, KU Leuven, Center for Molecular and Vascular Biology
Classification: Uncertain significance for Thrombophilia due to protein S deficiency, autosomal dominant. Review status: criteria provided, single submitter. Criteria: ACMG Guidelines, 2015. Collection method: clinical testing. Allele origin: germline. Affected: yes. Observed: 1 compound heterozygote.
Comment: Submitted to GoldVariant by Kathleen Freson, Center for Molecular and Vascular Biology, Leuven, Belgium

PreventionGenetics, part of Exact Sciences
Classification: Likely benign for PROS1-related condition. Last evaluated: 2021-01-29. Review status: no assertion criteria provided. Collection method: clinical testing. Allele origin: germline. Not counted in ClinVar's aggregate classification.
Comment: This variant is classified as likely benign based on ACMG/AMP sequence variant interpretation guidelines (Richards et al. 2015 PMID: 25741868, with internal and published modifications).

Russ Altman Lab, Stanford University
Classification: risk factor for Thrombophilia due to protein S deficiency, autosomal dominant. Last evaluated: 2015-05-01. Review status: no assertion criteria provided. Collection method: research, case-control. Allele origin: somatic. Affected: yes. Observed: 22 variant alleles, 22 heterozygotes. Clinical features observed: Protein S deficiency, Thrombophilia, Deep vein thrombosis, Pulmonary embolism. Not counted in ClinVar's aggregate classification.

CSER _CC_NCGL, University of Washington
Classification: Likely benign for Protein S deficiency. Last evaluated: 2014-06-01. Review status: no assertion criteria provided. Collection method: research. Allele origin: germline. Inheritance: Autosomal dominant inheritance. Study: ESP 6500 variant annotation. Not counted in ClinVar's aggregate classification.
Comment: Variants classified for the Actionable exomic incidental findings in 6503 participants: challenges of variant classification manuscript

ISTH-SSC Genomics in Thrombosis and Hemostasis, KU Leuven, Center for Molecular and Vascular Biology
Classification: Likely pathogenic for Protein S deficiency disease. Review status: no assertion criteria provided. Collection method: research. Allele origin: unknown. Affected: yes. Not counted in ClinVar's aggregate classification.
Comment: Submitted to GoldVariant by Dr Karyn Mégy from NIHR Bioresource - Cambridge University, UK

Literature cited by the submitters: PubMed 27652279 (cited by Russ Altman Lab, Stanford University).